The following is an entry in ClinVar:

ClinVar aggregate classification (germline): Uncertain significance. Review status: criteria provided, multiple submitters, no conflicts (2 of 4 stars). 2 submissions from 2 submitters: Uncertain significance (2). Last evaluated 2026-07-23.

Conditions:
Neuroblastoma, susceptibility to, 3. Also called: ALK-Related Neuroblastic Tumor Susceptibility. Identifiers: Orphanet 635, MedGen C2751681, MONDO:0013083, OMIM 613014.
Hereditary cancer-predisposing syndrome. Also called: Hereditary Cancer Syndrome; Hereditary neoplastic syndrome; Neoplastic Syndromes, Hereditary; Tumor predisposition. Identifiers: Orphanet 140162, MedGen C0027672, MeSH D009386, MONDO:0015356.

Submissions (2):

Ambry Genetics
Classification: Uncertain significance for Hereditary cancer-predisposing syndrome. Last evaluated: 2026-07-23. Review status: criteria provided, single submitter. Criteria: Ambry Variant Classification Scheme 2023. Collection method: clinical testing. Allele origin: germline.
Comment: The p.Q438K variant (also known as c.1312C>A), located in coding exon 6 of the ALK gene, results from a C to A substitution at nucleotide position 1312. The glutamine at codon 438 is replaced by lysine, an amino acid with similar properties. This amino acid position is conserved. In addition, this alteration is predicted to be tolerated by in silico analysis. Based on the available evidence, the clinical significance of this variant remains unclear.

Labcorp Genetics (formerly Invitae), Labcorp
Classification: Uncertain significance for Neuroblastoma, susceptibility to, 3. Last evaluated: 2025-02-11. Review status: criteria provided, single submitter. Criteria: Invitae Variant Classification Sherloc (09022015). Collection method: clinical testing. Allele origin: germline.
Comment: This sequence change replaces glutamine, which is neutral and polar, with lysine, which is basic and polar, at codon 438 of the ALK protein (p.Gln438Lys). This variant is not present in population databases (gnomAD no frequency). This variant has not been reported in the literature in individuals affected with ALK-related conditions. ClinVar contains an entry for this variant (Variation ID: 3007237). An algorithm developed to predict the effect of missense changes on protein structure and function outputs the following: PolyPhen-2: "Benign". The lysine amino acid residue is found in multiple mammalian species, which suggests that this missense change does not adversely affect protein function. In summary, the available evidence is currently insufficient to determine the role of this variant in disease. Therefore, it has been classified as a Variant of Uncertain Significance.

NM_004304.5(ALK):c.1312C>A (p.Gln438Lys)

Gene: ALK (ALK receptor tyrosine kinase; minus strand). Cytogenetic location: 2p23.2.
Variant type: single nucleotide variant.
Coding change: c.1312C>A on transcript NM_004304.5 (MANE Select); coding-DNA position 1312, C replaced by A.
Protein change: p.Gln438Lys; replaces glutamine 438 with lysine.
Molecular consequence: missense variant.
Genome position (GRCh38, 1-based): chr2:29,328,452, G>T on the plus strand (C>A on the coding strand, the complement: ALK is on the minus strand). VCF-style: chr2-29328452-G-T. GRCh37 (hg19) VCF-style: chr2-29551318-G-T.
Other names: c.1312C>A (NM_004304.4); short protein forms Q438K.
Identifiers: ClinVar variation 3007237 (VCV003007237.4), dbSNP rs2465459689, ClinGen allele CA346474488.